The following is an entry in ClinVar:

ClinVar aggregate classification (germline): Benign/Likely benign. Review status: criteria provided, multiple submitters, no conflicts (2 of 4 stars). 3 submissions from 3 submitters: Benign (1); Likely benign (2). Last evaluated 2025-11-09.

Conditions:
Hereditary cancer-predisposing syndrome. Also called: Tumor predisposition; Hereditary neoplastic syndrome; Neoplastic Syndromes, Hereditary; Hereditary Cancer Syndrome. Identifiers: Orphanet 140162, MedGen C0027672, MeSH D009386, MONDO:0015356.
Tuberous sclerosis 2 (TSC2). Identifiers: Orphanet 805, MedGen C1860707, MONDO:0013199, OMIM 613254.

Submissions (3):

Labcorp Genetics (formerly Invitae), Labcorp
Classification: Likely benign for Tuberous sclerosis 2. Last evaluated: 2025-11-09. Review status: criteria provided, single submitter. Criteria: Invitae Variant Classification Sherloc (09022015). Collection method: clinical testing. Allele origin: germline.

Myriad Genetics, Inc.
Classification: Benign for Tuberous sclerosis 2. Last evaluated: 2025-06-09. Review status: criteria provided, single submitter. Criteria: Myriad Autosomal Dominant, Autosomal Recessive and X-Linked Classification Criteria (2023). Collection method: clinical testing. Allele origin: unknown.
Comment: This variant is considered benign. This variant is a silent/synonymous amino acid change and it is not expected to impact splicing.

Ambry Genetics
Classification: Likely benign for Hereditary cancer-predisposing syndrome. Last evaluated: 2023-10-08. Review status: criteria provided, single submitter. Criteria: Ambry Variant Classification Scheme 2023. Collection method: clinical testing. Allele origin: germline.

NM_000548.5(TSC2):c.5412C>A (p.Thr1804=)

Gene: TSC2 (TSC complex subunit 2; plus strand). Cytogenetic location: 16p13.3.
Variant type: single nucleotide variant.
Coding change: c.5412C>A on transcript NM_000548.5 (MANE Select); coding-DNA position 5412, C replaced by A.
Protein change: p.Thr1804=; no amino-acid change (threonine 1804 retained).
Molecular consequence: synonymous variant.
Genome position (GRCh38, 1-based): chr16:2,088,598, C>A. VCF-style: chr16-2088598-C-A. GRCh37 (hg19) VCF-style: chr16-2138599-C-A.
Other names: c.5412C>A (NM_000548.3); c.5211C>A, p.Thr1737= (NM_001077183.3); c.5343C>A, p.Thr1781= (NM_001114382.3); c.5103C>A, p.Thr1701= (NM_001318827.2); c.5067C>A, p.Thr1689= (NM_001318829.2); c.4680C>A, p.Thr1560= (NM_001318831.2); c.5244C>A, p.Thr1748= (NM_001318832.2); c.5214C>A, p.Thr1738= (NM_001363528.2); and 3 more.
Identifiers: ClinVar variation 1640279 (VCV001640279.10), dbSNP rs397515252, ClinGen allele CA055340.